The following is an entry in ClinVar:

ClinVar aggregate classification (germline): Likely benign. Review status: criteria provided, multiple submitters, no conflicts (2 of 4 stars). 2 submissions from 2 submitters: Likely benign (2). Last evaluated 2025-12-01.

Conditions:
Werner syndrome (WRN). Identifiers: Orphanet 902, MedGen C0043119, MONDO:0010196, OMIM 277700.

Allele frequency attached by ClinVar (database versions not stated): gnomAD exomes below 0.00001 and 0.00001; TOPMed below 0.00001; ExAC 0.00001; gnomAD 0.00003.

Submissions (2):

CeGaT Center for Human Genetics Tuebingen
Classification: Likely benign. Last evaluated: 2025-12-01. Review status: criteria provided, single submitter. Criteria: CeGaT Center For Human Genetics Tuebingen Variant Classification Criteria Version 2. Collection method: clinical testing. Allele origin: germline. Affected: yes. Observed: 1 variant allele.
Comment: WRN: BP4, BP7

Labcorp Genetics (formerly Invitae), Labcorp
Classification: Likely benign for Werner syndrome. Last evaluated: 2024-01-18. Review status: criteria provided, single submitter. Criteria: Invitae Variant Classification Sherloc (09022015). Collection method: clinical testing. Allele origin: germline.

NM_000553.6(WRN):c.2355G>A (p.Arg785=)

Gene: WRN (WRN RecQ like helicase; plus strand). Cytogenetic location: 8p12.
Variant type: single nucleotide variant.
Coding change: c.2355G>A on transcript NM_000553.6 (MANE Select); coding-DNA position 2355, G replaced by A.
Protein change: p.Arg785=; no amino-acid change (arginine 785 retained).
Molecular consequence: synonymous variant.
Genome position (GRCh38, 1-based): chr8:31,116,435, G>A. VCF-style: chr8-31116435-G-A. GRCh37 (hg19) VCF-style: chr8-30973951-G-A.
Identifiers: ClinVar variation 759021 (VCV000759021.12), dbSNP rs751002549, ClinGen allele CA4704726.